The following is an entry in ClinVar:

ClinVar aggregate classification (germline): Uncertain significance (1 of 4 stars; one submission).

Submission:

GeneDx
Classification: Uncertain significance. Last evaluated: 2023-05-23. Review status: criteria provided, single submitter. Criteria: GeneDx Variant Classification Process June 2021. Collection method: clinical testing. Allele origin: germline. Affected: yes.
Comment: Not observed at significant frequency in large population cohorts (gnomAD); In silico analysis supports that this missense variant has a deleterious effect on protein structure/function; Has not been previously published as pathogenic or benign to our knowledge

NM_020779.4(WDR35):c.3071T>G (p.Leu1024Arg)

Gene: WDR35 (WD repeat domain 35; minus strand). Cytogenetic location: 2p24.1.
Variant type: single nucleotide variant.
Coding change: c.3071T>G on transcript NM_020779.4 (MANE Select); coding-DNA position 3071, T replaced by G.
Protein change: p.Leu1024Arg; replaces leucine 1024 with arginine.
Molecular consequence: missense variant.
Genome position (GRCh38, 1-based): chr2:19,930,446, A>C on the plus strand (T>G on the coding strand, the complement: WDR35 is on the minus strand). VCF-style: chr2-19930446-A-C. GRCh37 (hg19) VCF-style: chr2-20130207-A-C.
Other names: c.3104T>G, p.Leu1035Arg (NM_001006657.2); short protein forms L1024R, L1035R.
Identifiers: ClinVar variation 3252312 (VCV003252312.1), dbSNP rs2527835908.